The following is an entry in ClinVar:

NM_004656.4(BAP1):c.1526C>A (p.Ser509Ter)

Gene: BAP1 (BRCA1 associated deubiquitinase 1; minus strand). Cytogenetic location: 3p21.1.
Variant type: single nucleotide variant.
Coding change: c.1526C>A on transcript NM_004656.4 (MANE Select); coding-DNA position 1526, C replaced by A.
Protein change: p.Ser509Ter; replaces serine 509 with a stop codon.
Molecular consequence: nonsense.
Genome position (GRCh38, 1-based): chr3:52,403,619, G>T on the plus strand (C>A on the coding strand, the complement: BAP1 is on the minus strand). VCF-style: chr3-52403619-G-T. GRCh37 (hg19) VCF-style: chr3-52437635-G-T.
Other names: c.1472C>A, p.Ser491Ter (NM_001410772.1); short protein forms S491*, S509*.
Identifiers: ClinVar variation 1774524 (VCV001774524.2), dbSNP rs1705045724, ClinGen allele CA353100828.

ClinVar aggregate classification (germline): Pathogenic (1 of 4 stars; one submission).

Conditions:
Hereditary cancer-predisposing syndrome. Also called: Hereditary Cancer Syndrome; Hereditary neoplastic syndrome; Neoplastic Syndromes, Hereditary; Tumor predisposition. Identifiers: Orphanet 140162, MedGen C0027672, MeSH D009386, MONDO:0015356.

Submission:

Ambry Genetics
Classification: Pathogenic for Hereditary cancer-predisposing syndrome. Last evaluated: 2021-06-22. Review status: criteria provided, single submitter. Criteria: Ambry Variant Classification Scheme 2023. Collection method: clinical testing. Allele origin: germline.
Comment: The p.S509* pathogenic mutation (also known as c.1526C>A), located in coding exon 13 of the BAP1 gene, results from a C to A substitution at nucleotide position 1526. This changes the amino acid from a serine to a stop codon within coding exon 13. This alteration is expected to result in loss of function by premature protein truncation or nonsense-mediated mRNA decay. As such, this alteration is interpreted as a disease-causing mutation.